The following is an entry in ClinVar:

ClinVar aggregate classification (germline): Uncertain significance. Review status: criteria provided, multiple submitters, no conflicts (2 of 4 stars). 2 submissions from 2 submitters: Uncertain significance (2). Last evaluated 2025-05-02.

Allele frequency attached by ClinVar (database versions not stated): gnomAD 0.00001; TOPMed 0.00002; gnomAD exomes 0.00004 and 0.00009; ExAC 0.00006.
gnomAD v4.1: 130 of 1,570,594 alleles (0.0083%); highest among the groups gnomAD compares: Non-Finnish European, 0.011%; no homozygotes.

Submissions (3):

Labcorp Genetics (formerly Invitae), Labcorp
Classification: Uncertain significance. Last evaluated: 2025-05-02. Review status: criteria provided, single submitter. Criteria: Invitae Variant Classification Sherloc (09022015). Collection method: clinical testing. Allele origin: germline.
Comment: This sequence change falls in intron 6 of the TUBGCP6 gene. It does not directly change the encoded amino acid sequence of the TUBGCP6 protein. This variant is present in population databases (rs765557133, gnomAD 0.01%). This variant has not been reported in the literature in individuals affected with TUBGCP6-related conditions. ClinVar contains an entry for this variant (Variation ID: 1011358). Algorithms developed to predict the effect of sequence changes on RNA splicing suggest that this variant may disrupt the consensus splice site. In summary, the available evidence is currently insufficient to determine the role of this variant in disease. Therefore, it has been classified as a Variant of Uncertain Significance.

GeneDx
Classification: Uncertain significance. Last evaluated: 2022-09-07. Review status: criteria provided, single submitter. Criteria: GeneDx Variant Classification Process June 2021. Collection method: clinical testing. Allele origin: germline. Affected: yes.
Comment: Not observed at significant frequency in large population cohorts (gnomAD); In silico analysis supports a deleterious effect on splicing; Has not been previously published as pathogenic or benign to our knowledge

Dr. Peter K. Rogan Lab, Western University
No classification provided (evidence only). Condition: Ovarian serous cystadenocarcinoma. Review status: no classification provided. Collection method: in vitro. Allele origin: not applicable. Functional consequence: retained intron. Not counted in ClinVar's aggregate classification.

NM_020461.4(TUBGCP6):c.1492-9G>A

Gene: TUBGCP6 (tubulin gamma complex component 6; minus strand). Cytogenetic location: 22q13.33.
Variant type: single nucleotide variant.
Coding change: c.1492-9G>A on transcript NM_020461.4 (MANE Select); 9 bases into the intron before coding-DNA position 1492, G replaced by A.
Molecular consequence: intron variant.
Genome position (GRCh38, 1-based): chr22:50,226,851, C>T on the plus strand (G>A on the coding strand, the complement: TUBGCP6 is on the minus strand). VCF-style: chr22-50226851-C-T. GRCh37 (hg19) VCF-style: chr22-50665280-C-T.
Identifiers: ClinVar variation 1011358 (VCV001011358.12), dbSNP rs765557133, ClinGen allele CA10308636.